The following is an entry in ClinVar:

NM_000052.7(ATP7A):c.2277C>T (p.Ala759=)

Gene: ATP7A (ATPase copper transporting alpha; plus strand). Cytogenetic location: Xq21.1.
Variant type: single nucleotide variant.
Coding change: c.2277C>T on transcript NM_000052.7 (MANE Select); coding-DNA position 2277, C replaced by T.
Protein change: p.Ala759=; no amino-acid change (alanine 759 retained).
Molecular consequence: synonymous variant. On other transcripts: intron variant (1).
Genome position (GRCh38, 1-based): chrX:78,012,983, C>T. VCF-style: chrX-78012983-C-T. GRCh37 (hg19) VCF-style: chrX-77268480-C-T.
Other names: p.Ala759=; c.2172+1309C>T (NM_001282224.2).
Identifiers: ClinVar variation 1126075 (VCV001126075.10), dbSNP rs1473914623, ClinGen allele CA517059213.
Genomic context (GRCh38, chrX:78,012,983, plus strand): 5'-GAAGCATAAGACAGCAAATATGGACGTACTGATTGTGCTGGCAACCACCATTGCATTTGC[C>T]TACTCTTTGATTATTCTTCTAGTTGCAATGTATGAGAGAGCCAAAGTGAACCCTATTACT-3'
Protein context (NP_000043.4, residues 749-769): LIVLATTIAF[Ala759=]YSLIILLVAM

ClinVar aggregate classification (germline): Likely benign. Review status: criteria provided, multiple submitters, no conflicts (2 of 4 stars). 2 submissions from 2 submitters: Likely benign (2). Last evaluated 2025-05-09.

Conditions:
X-linked distal spinal muscular atrophy type 3. Also called: ATP7A-Related Distal Motor Neuropathy; SPINAL MUSCULAR ATROPHY, DISTAL, X-LINKED RECESSIVE; NEURONOPATHY, DISTAL HEREDITARY MOTOR, X-LINKED; NEUROPATHY, DISTAL HEREDITARY MOTOR, X-LINKED. Identifiers: Orphanet 139557, MedGen C1845359, MONDO:0010338, OMIM 300489.
Menkes kinky-hair syndrome (MNK). Also called: Copper transport disease; Menkes Disease; Classic Menkes Disease. Identifiers: Orphanet 565, MedGen C0022716, MONDO:0010651, OMIM 309400.
Cutis laxa, X-linked (OHS). Also called: EDS IX; Occipital horn syndrome. Identifiers: Orphanet 198, MedGen C0268353, MONDO:0010572, OMIM 304150.

Allele frequency attached by ClinVar (database versions not stated): gnomAD exomes 0.00001; TOPMed 0.00001.
gnomAD v4.1: 4 of 1,211,016 alleles (0.00033%); highest among the groups gnomAD compares: Non-Finnish European, 0.00045%; no homozygotes.

Submissions (2):

Mayo Clinic Laboratories, Mayo Clinic
Classification: Likely benign. Last evaluated: 2025-05-09. Review status: criteria provided, single submitter. Criteria: ACMG Guidelines, 2015. Collection method: clinical testing. Allele origin: germline. Observed: 1 variant allele.
Comment: BP4, BP7, PM2_supporting

Labcorp Genetics (formerly Invitae), Labcorp
Classification: Likely benign for X-linked distal spinal muscular atrophy type 3; Cutis laxa, X-linked; Menkes kinky-hair syndrome. Last evaluated: 2024-07-12. Review status: criteria provided, single submitter. Criteria: Invitae Variant Classification Sherloc (09022015). Collection method: clinical testing. Allele origin: germline.